The following is an entry in ClinVar:

NM_153240.5(NPHP3):c.392A>G (p.Gln131Arg)

Genes: NPHP3-ACAD11 (NPHP3-ACAD11 readthrough (NMD candidate); minus strand), NPHP3 (nephrocystin 3; minus strand), NPHP3-AS1 (NPHP3 antisense RNA 1; plus strand). Cytogenetic location: 3q22.1.
Variant type: single nucleotide variant.
Coding change: c.392A>G on transcript NM_153240.5 (MANE Select); coding-DNA position 392, A replaced by G.
Protein change: p.Gln131Arg; replaces glutamine 131 with arginine.
Molecular consequence: missense variant. On other transcripts: non-coding transcript variant (3).
Genome position (GRCh38, 1-based): chr3:132,721,964, T>C on the plus strand (A>G on the coding strand, the complement: NPHP3 is on the minus strand). VCF-style: chr3-132721964-T-C. GRCh37 (hg19) VCF-style: chr3-132440808-T-C.
Other names: short protein forms Q131R.
Identifiers: ClinVar variation 1980606 (VCV001980606.4), dbSNP rs1010758159, ClinGen allele CA83610668.

ClinVar aggregate classification (germline): Uncertain significance. Review status: criteria provided, multiple submitters, no conflicts (2 of 4 stars). 2 submissions from 2 submitters: Uncertain significance (2). Last evaluated 2025-07-21.

Conditions:
NPHP3-related Meckel-like syndrome. Also called: Meckel syndrome type 7; GOLDSTON SYNDROME. Identifiers: Orphanet 3032, MedGen C2673885, MONDO:0009966, OMIM 267010.
Nephronophthisis 3 (NPHP3). Also called: Adolescent nephronophthisis. Identifiers: Orphanet 655, MedGen C1858392, MONDO:0011456, OMIM 604387.
Renal-hepatic-pancreatic dysplasia 1 (RHPD1). Identifiers: MedGen C3715199, MONDO:0008833, OMIM 208540.
Nephronophthisis. Also called: Juvenile Nephronophthisis. Identifiers: Orphanet 655, MedGen C0687120, MONDO:0019005, HP:0000090.

Allele frequency attached by ClinVar (database versions not stated): TOPMed below 0.00001.

Submissions (2):

Labcorp Genetics (formerly Invitae), Labcorp
Classification: Uncertain significance for Nephronophthisis. Last evaluated: 2025-07-21. Review status: criteria provided, single submitter. Criteria: Invitae Variant Classification Sherloc (09022015). Collection method: clinical testing. Allele origin: germline.
Comment: This sequence change replaces glutamine, which is neutral and polar, with arginine, which is basic and polar, at codon 131 of the NPHP3 protein (p.Gln131Arg). This variant is not present in population databases (gnomAD no frequency). This variant has not been reported in the literature in individuals affected with NPHP3-related conditions. ClinVar contains an entry for this variant (Variation ID: 1980606). An algorithm developed to predict the effect of missense changes on protein structure and function (PolyPhen-2) suggests that this variant is likely to be disruptive. In summary, the available evidence is currently insufficient to determine the role of this variant in disease. Therefore, it has been classified as a Variant of Uncertain Significance.

Fulgent Genetics
Classification: Uncertain significance for Renal-hepatic-pancreatic dysplasia 1; NPHP3-related Meckel-like syndrome; Nephronophthisis 3. Last evaluated: 2024-02-27. Review status: criteria provided, single submitter. Criteria: ACMG Guidelines, 2015. Collection method: clinical testing. Allele origin: germline.